The following is an entry in ClinVar:

NM_001972.4(ELANE):c.769C>A (p.Pro257Thr)

Gene: ELANE (elastase, neutrophil expressed; plus strand). Cytogenetic location: 19p13.3.
Variant type: single nucleotide variant.
Coding change: c.769C>A on transcript NM_001972.4 (MANE Select); coding-DNA position 769, C replaced by A.
Protein change: p.Pro257Thr; replaces proline 257 with threonine.
Molecular consequence: missense variant.
Genome position (GRCh38, 1-based): chr19:856,129, C>A. VCF-style: chr19-856129-C-A. GRCh37 (hg19) VCF-style: chr19-856129-C-A.
Other names: short protein forms P257T.
Identifiers: ClinVar variation 4842452 (VCV004842452.1).
Genomic context (GRCh38, chr19:856,129, plus strand): 5'-CAGTTTGTAAACTGGATCGACTCTATCATCCAACGCTCCGAGGACAACCCCTGTCCCCAC[C>A]CCCGGGACCCGGACCCGGCCAGCAGGACCCACTGAGAAGGGCTGCCCGGGTCACCTCAGC-3'
Protein context (NP_001963.1, residues 247-267): QRSEDNPCPH[Pro257Thr]RDPDPASRTH

ClinVar aggregate classification (germline): Uncertain significance (1 of 4 stars; one submission).

Conditions:
Inborn genetic diseases. Identifiers: MedGen C0950123, MeSH D030342.

gnomAD v4.1: 2 of 1,613,038 alleles (0.00012%); highest among the groups gnomAD compares: Non-Finnish European, 0.00017%; no homozygotes.

Submission:

Ambry Genetics
Classification: Uncertain significance for Inborn genetic diseases. Last evaluated: 2025-12-26. Review status: criteria provided, single submitter. Criteria: Ambry Variant Classification Scheme 2023. Collection method: clinical testing. Allele origin: germline.
Comment: The p.P257T variant (also known as c.769C>A), located in coding exon 5 of the ELANE gene, results from a C to A substitution at nucleotide position 769. The proline at codon 257 is replaced by threonine, an amino acid with highly similar properties. This amino acid position is conserved. In addition, this alteration is predicted to be tolerated by in silico analysis. Based on the available evidence, the clinical significance of this variant remains unclear.